The following is an entry in ClinVar:

NM_004304.5(ALK):c.4768G>T (p.Gly1590Cys)

Gene: ALK (ALK receptor tyrosine kinase; minus strand). Cytogenetic location: 2p23.2.
Variant type: single nucleotide variant.
Coding change: c.4768G>T on transcript NM_004304.5 (MANE Select); coding-DNA position 4768, G replaced by T.
Protein change: p.Gly1590Cys; replaces glycine 1590 with cysteine.
Molecular consequence: missense variant.
Genome position (GRCh38, 1-based): chr2:29,193,319, C>A on the plus strand (G>T on the coding strand, the complement: ALK is on the minus strand). VCF-style: chr2-29193319-C-A. GRCh37 (hg19) VCF-style: chr2-29416185-C-A.
Other names: c.1564G>T, p.Gly522Cys (NM_001353765.2); short protein forms G1590C, G522C.
Identifiers: ClinVar variation 5035517 (VCV005035517.1).
Genomic context (GRCh38, chr2:29,193,319, plus strand): 5'-TCAGAATGGTATCCTCGTAATGACCAGCTCCAGGGGCAGTAGCGGCTTCTAAGGGCAAGC[C>A]CTGTTGCTGGTAGCCGTAATTGACATTCCCACAAGGGAAGTGACGTAGCCTGAACAGAGG-3'
Protein context (NP_004295.2, residues 1580-1600): GNVNYGYQQQ[Gly1590Cys]LPLEAATAPG

ClinVar aggregate classification (germline): Uncertain significance (1 of 4 stars; one submission).

Conditions:
Hereditary cancer-predisposing syndrome. Also called: Hereditary Cancer Syndrome; Neoplastic Syndromes, Hereditary; Tumor predisposition; Hereditary neoplastic syndrome. Identifiers: Orphanet 140162, MedGen C0027672, MeSH D009386, MONDO:0015356.

Submission:

Ambry Genetics
Classification: Uncertain significance for Hereditary cancer-predisposing syndrome. Last evaluated: 2026-08-11. Review status: criteria provided, single submitter. Criteria: Ambry Variant Classification Scheme 2023. Collection method: clinical testing. Allele origin: germline.
Comment: The p.G1590C variant (also known as c.4768G>T), located in coding exon 29 of the ALK gene, results from a G to T substitution at nucleotide position 4768. The glycine at codon 1590 is replaced by cysteine, an amino acid with highly dissimilar properties. This amino acid position is conserved. In addition, the in silico prediction for this alteration is inconclusive. Based on the available evidence, the clinical significance of this variant remains unclear.